The following is an entry in ClinVar:

ClinVar aggregate classification (germline): Uncertain significance. Review status: criteria provided, multiple submitters, no conflicts (2 of 4 stars). 2 submissions from 2 submitters: Uncertain significance (2). Last evaluated 2025-09-04.

Conditions:
Amyotrophic lateral sclerosis type 9 (ALS9). Identifiers: Orphanet 803, MedGen C2678468, MONDO:0012753, OMIM 611895.

Allele frequency attached by ClinVar (database versions not stated): gnomAD 0.00001; gnomAD exomes 0.00002; ExAC 0.00005; 1000 Genomes Project 0.00020; 1000 Genomes Project 30x 0.00031.
gnomAD v4.1: 35 of 1,614,012 alleles (0.0022%); highest among the groups gnomAD compares: South Asian, 0.0088%; no homozygotes.

Submissions (2):

Labcorp Genetics (formerly Invitae), Labcorp
Classification: Uncertain significance. Last evaluated: 2025-09-04. Review status: criteria provided, single submitter. Criteria: Invitae Variant Classification Sherloc (09022015). Collection method: clinical testing. Allele origin: germline.
Comment: This sequence change replaces arginine, which is basic and polar, with cysteine, which is neutral and slightly polar, at codon 145 of the ANG protein (p.Arg145Cys). This variant is present in population databases (rs565444731, gnomAD 0.01%). This missense change has been observed in individual(s) with amyotrophic lateral sclerosis or Parkinson disease (PMID: 21621297, 22190368). This variant is also known as p.R121C. ClinVar contains an entry for this variant (Variation ID: 1366739). An algorithm developed to predict the effect of missense changes on protein structure and function (PolyPhen-2) suggests that this variant is likely to be tolerated. In summary, the available evidence is currently insufficient to determine the role of this variant in disease. Therefore, it has been classified as a Variant of Uncertain Significance.

Revvity Omics, Revvity
Classification: Uncertain significance for Amyotrophic lateral sclerosis type 9. Last evaluated: 2023-04-11. Review status: criteria provided, single submitter. Criteria: ACMG Guidelines, 2015. Collection method: clinical testing. Allele origin: germline.

Literature cited by the submitters: PubMed 21621297 (cited by Labcorp Genetics (formerly Invitae), Labcorp); PubMed 22190368 (cited by Labcorp Genetics (formerly Invitae), Labcorp).

NM_001097577.3(ANG):c.433C>T (p.Arg145Cys)

Genes: EGILA (EGFR interacting lncRNA; minus strand), RNASE4 (ribonuclease A family member 4; plus strand), ANG (angiogenin; plus strand). Cytogenetic location: 14q11.2.
Variant type: single nucleotide variant.
Coding change: c.433C>T on transcript NM_001097577.3 (MANE Select); coding-DNA position 433, C replaced by T.
Protein change: p.Arg145Cys; replaces arginine 145 with cysteine.
Molecular consequence: missense variant. On other transcripts: intron variant (4).
Genome position (GRCh38, 1-based): chr14:20,693,997, C>T. VCF-style: chr14-20693997-C-T. GRCh37 (hg19) VCF-style: chr14-21162156-C-T.
Other names: c.433C>T, p.Arg145Cys (NM_001145.4, NM_001385271.1, NM_001385272.1 and 2 more transcripts); c.-18+347C>T (NM_001282192.2); c.-17-5358C>T (NM_002937.5, NM_001282193.2); c.-18+5123C>T (NM_194431.3); short protein forms R145C.
Identifiers: ClinVar variation 1366739 (VCV001366739.10), dbSNP rs565444731, ClinGen allele CA7083194.